The following is an entry in ClinVar:

ClinVar aggregate classification (germline): Uncertain significance (1 of 4 stars; one submission).

Conditions:
Tuberous sclerosis 1 (TSC1). Identifiers: Orphanet 805, MedGen C1854465, MONDO:0008612, OMIM 191100.

Submission:

Labcorp Genetics (formerly Invitae), Labcorp
Classification: Uncertain significance for Tuberous sclerosis 1. Last evaluated: 2022-09-12. Review status: criteria provided, single submitter. Criteria: Invitae Variant Classification Sherloc (09022015). Collection method: clinical testing. Allele origin: germline.
Comment: This variant has not been reported in the literature in individuals affected with TSC1-related conditions. This variant is not present in population databases (gnomAD no frequency). This variant, c.270_272dup, results in the insertion of 1 amino acid(s) of the TSC1 protein (p.Ser91dup), but otherwise preserves the integrity of the reading frame. In summary, the available evidence is currently insufficient to determine the role of this variant in disease. Therefore, it has been classified as a Variant of Uncertain Significance.

NM_000368.5(TSC1):c.270_272dup (p.Ser91_Leu92insSer)

Gene: TSC1 (TSC complex subunit 1; minus strand). Cytogenetic location: 9q34.13.
Variant type: Duplication.
Coding change: c.270_272dup on transcript NM_000368.5 (MANE Select); coding-DNA positions 270 to 272, 3 bases duplicated (CTC; older notation c.270_272dupCTC).
Protein change: p.Ser91_Leu92insSer.
Molecular consequence: inframe insertion. On other transcripts: 5 prime UTR variant (1), inframe indel (18), intron variant (1).
Genome position (GRCh38, 1-based): chr9:132,925,678-132,925,680, GAG duplicated on the plus strand (CTC on the coding strand, the reverse complement: TSC1 is on the minus strand). VCF-style (leftmost placement, unchanged base first): chr9-132925677-C-CGAG. GRCh37 (hg19) VCF-style: chr9-135801064-C-CGAG.
Other names: c.270_272dup, p.Ser91_Leu92insSer (NM_001162426.2, NM_001406592.1, NM_001406593.1 and 16 more transcripts); c.-94_-92dup (NM_001362177.2, NM_001406617.1, NM_001406618.1 and 5 more transcripts); c.-186_-184dup (NM_001406614.1, NM_001406616.1, NM_001406624.1); c.-219_-217dup (NM_001406615.1, NM_001406623.1); c.-608_-606dup (NM_001406626.1, NM_001406627.1, NM_001406628.1); c.-750_-748dup (NM_001406629.1); c.-824_-822dup (NM_001406630.1); c.210+1521_210+1523dup (NM_001162427.2).
Identifiers: ClinVar variation 1900601 (VCV001900601.5), dbSNP rs2539075448, ClinGen allele CA2580080082.
Genomic context (GRCh38, chr9:132,925,677, plus strand): 5'-AGGTGCTTGAGAGAGCTTATGCTTCCAAGATGGCTGCAGTCTTATGACATGACCCAGTAA[C>CGAG]GAGAGGATGGATAAACGAGTGGCGGCTTTGCCCACATATTCGTTAATCCTGTCCAAGAGG-3'